The following is an entry in ClinVar:

ClinVar aggregate classification (germline): Conflicting classifications of pathogenicity. Review status: criteria provided, conflicting classifications (1 of 4 stars). 2 submissions from 2 submitters: Uncertain significance (1); Likely benign (1). Last evaluated 2023-03-23.

Conditions:
Hereditary cancer-predisposing syndrome. Also called: Tumor predisposition; Hereditary Cancer Syndrome; Neoplastic Syndromes, Hereditary; Hereditary neoplastic syndrome. Identifiers: Orphanet 140162, MedGen C0027672, MeSH D009386, MONDO:0015356.

Submissions (2):

University of Washington Department of Laboratory Medicine, University of Washington
Classification: Likely benign for Hereditary cancer-predisposing syndrome. Last evaluated: 2023-03-23. Review status: criteria provided, single submitter. Criteria: Dines et al. (Genet Med. 2020). Collection method: curation. Allele origin: germline.
Comment: Missense variant in a coldspot region where missense variants are very unlikely to be pathogenic (PMID:31911673).

BRCA2 exon 11 coldspot. Reclassification based on statistical prior probability.

Ambry Genetics
Classification: Uncertain significance for Hereditary cancer-predisposing syndrome. Last evaluated: 2022-02-26. Review status: criteria provided, single submitter. Criteria: Ambry Variant Classification Scheme 2023. Collection method: clinical testing. Allele origin: germline.
Comment: The p.Q961R variant (also known as c.2882A>G), located in coding exon 10 of the BRCA2 gene, results from an A to G substitution at nucleotide position 2882. The glutamine at codon 961 is replaced by arginine, an amino acid with highly similar properties. This amino acid position is conserved. In addition, the in silico prediction for this alteration is inconclusive. Since supporting evidence is limited at this time, the clinical significance of this alteration remains unclear.

NM_000059.4(BRCA2):c.2882A>G (p.Gln961Arg)

Gene: BRCA2 (BRCA2 DNA repair associated; plus strand). Cytogenetic location: 13q13.1.
Variant type: single nucleotide variant.
Coding change: c.2882A>G on transcript NM_000059.4 (MANE Select); coding-DNA position 2882, A replaced by G.
Protein change: p.Gln961Arg; replaces glutamine 961 with arginine.
Molecular consequence: missense variant.
Genome position (GRCh38, 1-based): chr13:32,337,237, A>G. VCF-style: chr13-32337237-A-G. GRCh37 (hg19) VCF-style: chr13-32911374-A-G.
Other names: c.2882A>G, p.Gln961Arg (NM_001406719.1, NM_001406720.1); short protein forms Q961R.
Identifiers: ClinVar variation 1797188 (VCV001797188.4), dbSNP rs2072467086, ClinGen allele CA387774078.